The following is an entry in ClinVar:

ClinVar aggregate classification (germline): Uncertain significance (1 of 4 stars; one submission).

Submission:

GeneDx
Classification: Uncertain significance. Last evaluated: 2023-09-25. Review status: criteria provided, single submitter. Criteria: GeneDx Variant Classification Process June 2021. Collection method: clinical testing. Allele origin: germline. Affected: yes.
Comment: Not observed in large population cohorts (gnomAD); In silico analysis supports that this missense variant has a deleterious effect on protein structure/function; Has not been previously published as pathogenic or benign to our knowledge

NM_003072.5(SMARCA4):c.4075T>C (p.Cys1359Arg)

Gene: SMARCA4 (SWI/SNF related BAF chromatin remodeling complex subunit ATPase 4; plus strand). Cytogenetic location: 19p13.2.
Variant type: single nucleotide variant.
Coding change: c.4075T>C on transcript NM_003072.5 (MANE Select); coding-DNA position 4075, T replaced by C.
Protein change: p.Cys1359Arg; replaces cysteine 1359 with arginine.
Molecular consequence: missense variant. On other transcripts: non-coding transcript variant (1).
Genome position (GRCh38, 1-based): chr19:11,035,037, T>C. VCF-style: chr19-11035037-T-C. GRCh37 (hg19) VCF-style: chr19-11145713-T-C.
Other names: c.4075T>C, p.Cys1359Arg (NM_001128844.3, NM_001128849.3, NM_001387283.1); c.3976T>C, p.Cys1326Arg (NM_001128845.2, NM_001128846.2, NM_001128847.4 and 3 more transcripts); short protein forms C1326R, C1359R.
Identifiers: ClinVar variation 2581756 (VCV002581756.1), dbSNP rs2146700886, ClinGen allele CA404068258.